The following is an entry in ClinVar:

ClinVar aggregate classification (germline): Benign (0 of 4 stars; one submission).

Conditions:
ZNF292-related disorder. Also called: ZNF292-related condition.

Allele frequency attached by ClinVar (database versions not stated): TOPMed 0.00031; gnomAD 0.00154; gnomAD exomes 0.00276; ExAC 0.00616; 1000 Genomes Project 30x 0.01109; 1000 Genomes Project 0.01198.
gnomAD v4.1: 4,261 of 1,613,110 alleles (0.26%); highest among the groups gnomAD compares: South Asian, 4.4%; 115 homozygotes.

Submission:

PreventionGenetics, part of Exact Sciences
Classification: Benign for ZNF292-related condition. Last evaluated: 2019-04-04. Review status: no assertion criteria provided. Collection method: clinical testing. Allele origin: germline.
Comment: This variant is classified as benign based on ACMG/AMP sequence variant interpretation guidelines (Richards et al. 2015 PMID: 25741868, with internal and published modifications).

NM_015021.3(ZNF292):c.6723C>T (p.His2241=)

Gene: ZNF292 (zinc finger protein 292; plus strand). Cytogenetic location: 6q14.3.
Variant type: single nucleotide variant.
Coding change: c.6723C>T on transcript NM_015021.3 (MANE Select); coding-DNA position 6723, C replaced by T.
Protein change: p.His2241=; no amino-acid change (histidine 2241 retained).
Molecular consequence: synonymous variant.
Genome position (GRCh38, 1-based): chr6:87,260,352, C>T. VCF-style: chr6-87260352-C-T. GRCh37 (hg19) VCF-style: chr6-87970070-C-T.
Other names: c.6303C>T, p.His2101= (NM_001351444.2).
Identifiers: ClinVar variation 3044349 (VCV003044349.2), dbSNP rs367626971, ClinGen allele CA3914670.